The following is an entry in ClinVar:

ClinVar aggregate classification (germline): Uncertain significance (1 of 4 stars; one submission).

Conditions:
Oto-palato-digital syndrome, type II (OPD2). Also called: FACIOPALATOOSSEOUS SYNDROME; OPD II SYNDROME; Otopalatodigital Syndrome, Type II; Otopalatodigital Syndrome Type 2 (FLNA-OPD2). Identifiers: Orphanet 669, Orphanet 90652, MedGen C1844696, MONDO:0010571, OMIM 304120.
Heterotopia, periventricular, X-linked dominant (PVNH1). Also called: PERIVENTRICULAR NODULAR HETEROTOPIA 1; X-linked periventricular heterotopia; PERIVENTRICULAR NODULAR HETEROTOPIA 4; HETEROTOPIA, PERIVENTRICULAR, 1. Identifiers: Orphanet 2149, Orphanet 82004, MedGen C1848213, MONDO:0010233, OMIM 300049.
Frontometaphyseal dysplasia (FMD1). Identifiers: Orphanet 1826, MedGen C0265293, MONDO:0015942.
Melnick-Needles syndrome (MNS). Also called: MELNICK-NEEDLES OSTEODYSPLASTY; OSTEODYSPLASTY OF MELNICK AND NEEDLES; Melnick-Needles Syndrome (FLNA-MNS). Identifiers: Orphanet 2484, MedGen C0025237, MONDO:0010650, OMIM 309350.

Submission:

Labcorp Genetics (formerly Invitae), Labcorp
Classification: Uncertain significance for Oto-palato-digital syndrome, type II; Heterotopia, periventricular, X-linked dominant; Frontometaphyseal dysplasia; Melnick-Needles syndrome. Last evaluated: 2025-12-20. Review status: criteria provided, single submitter. Criteria: Invitae Variant Classification Sherloc (09022015). Collection method: clinical testing. Allele origin: germline.
Comment: This sequence change replaces leucine, which is neutral and non-polar, with valine, which is neutral and non-polar, at codon 1024 of the FLNA protein (p.Leu1024Val). This variant is not present in population databases (gnomAD no frequency). This variant has not been reported in the literature in individuals affected with FLNA-related conditions. ClinVar contains an entry for this variant (Variation ID: 2933250). Invitae Evidence Modeling of protein sequence and biophysical properties (such as structural, functional, and spatial information, amino acid conservation, physicochemical variation, residue mobility, and thermodynamic stability) indicates that this missense variant is not expected to disrupt FLNA protein function with a negative predictive value of 95%. In summary, the available evidence is currently insufficient to determine the role of this variant in disease. Therefore, it has been classified as a Variant of Uncertain Significance.

NM_001110556.2(FLNA):c.3070C>G (p.Leu1024Val)

Gene: FLNA (filamin A; minus strand). Cytogenetic location: Xq28.
Variant type: single nucleotide variant.
Coding change: c.3070C>G on transcript NM_001110556.2 (MANE Select); coding-DNA position 3070, C replaced by G.
Protein change: p.Leu1024Val; replaces leucine 1024 with valine.
Molecular consequence: missense variant.
Genome position (GRCh38, 1-based): chrX:154,361,445, G>C on the plus strand (C>G on the coding strand, the complement: FLNA is on the minus strand). VCF-style: chrX-154361445-G-C. GRCh37 (hg19) VCF-style: chrX-153589813-G-C.
Other names: c.3070C>G, p.Leu1024Val (NM_001456.4); short protein forms L1024V.
Identifiers: ClinVar variation 2933250 (VCV002933250.3), dbSNP rs2522745198, ClinGen allele CA415230554.
Genomic context (GRCh38, chrX:154,361,445, plus strand): 5'-CCACCTCATAGGGCCCTTCCTCACGGGGCAGGAAGCGCACCACACTGTTGTCAGCCCCCA[G>C]GCCTGGCTCCACCTTGCAGGGCACCGCTGCACCCGAGGGGCCCACAATCTTGGATGCCAC-3'
Protein context (NP_001104026.1, residues 1014-1034): AAVPCKVEPG[Leu1024Val]GADNSVVRFL